The following is an entry in ClinVar:

ClinVar aggregate classification (germline): Uncertain significance (1 of 4 stars; one submission).

gnomAD v4.1: 2 of 1,614,116 alleles (0.00012%); highest among the groups gnomAD compares: Non-Finnish European, 0.00017%; no homozygotes.

Submission:

Labcorp Genetics (formerly Invitae), Labcorp
Classification: Uncertain significance. Last evaluated: 2021-09-24. Review status: criteria provided, single submitter. Criteria: Invitae Variant Classification Sherloc (09022015). Collection method: clinical testing. Allele origin: germline.
Comment: This sequence change replaces tyrosine with aspartic acid at codon 208 of the SCO2 protein (p.Tyr208Asp). The tyrosine residue is highly conserved and there is a large physicochemical difference between tyrosine and aspartic acid. This variant is not present in population databases (ExAC no frequency). This variant has not been reported in the literature in individuals with SCO2-related conditions. Algorithms developed to predict the effect of missense changes on protein structure and function are either unavailable or do not agree on the potential impact of this missense change (SIFT: "Deleterious"; PolyPhen-2: "Probably Damaging"; Align-GVGD: "Class C0"). In summary, the available evidence is currently insufficient to determine the role of this variant in disease. Therefore, it has been classified as a Variant of Uncertain Significance.

NM_005138.3(SCO2):c.622T>G (p.Tyr208Asp)

Genes: NCAPH2 (non-SMC condensin II complex subunit H2; plus strand), SCO2 (synthesis of cytochrome C oxidase 2; minus strand). Cytogenetic location: 22q13.33.
Variant type: single nucleotide variant.
Coding change: c.622T>G on transcript NM_005138.3 (MANE Select); coding-DNA position 622, T replaced by G.
Protein change: p.Tyr208Asp; replaces tyrosine 208 with aspartic acid.
Molecular consequence: missense variant. On other transcripts: 3 prime UTR variant (2).
Genome position (GRCh38, 1-based): chr22:50,523,790, A>C on the plus strand (T>G on the coding strand, the complement: SCO2 is on the minus strand). VCF-style: chr22-50523790-A-C. GRCh37 (hg19) VCF-style: chr22-50962219-A-C.
Other names: c.*415A>C (NM_001185011.2, NM_152299.4); c.622T>G, p.Tyr208Asp (NM_001169109.2, NM_001169110.1, NM_001169111.2); short protein forms Y208D.
Identifiers: ClinVar variation 1402308 (VCV001402308.5), dbSNP rs2148671020, ClinGen allele CA412191806.